The following is an entry in ClinVar:

ClinVar aggregate classification (germline): Uncertain significance (1 of 4 stars; one submission).

Submission:

Labcorp Genetics (formerly Invitae), Labcorp
Classification: Uncertain significance. Last evaluated: 2025-11-01. Review status: criteria provided, single submitter. Criteria: Invitae Variant Classification Sherloc (09022015). Collection method: clinical testing. Allele origin: germline.
Comment: This sequence change creates a premature translational stop signal (p.Gln783*) in the TNNI3K gene. It is expected to result in an absent or disrupted protein product. However, the current clinical and genetic evidence is not sufficient to establish whether loss-of-function variants in TNNI3K cause disease. This variant is not present in population databases (gnomAD no frequency). This variant has not been reported in the literature in individuals affected with TNNI3K-related conditions. In summary, the available evidence is currently insufficient to determine the role of this variant in disease. Therefore, it has been classified as a Variant of Uncertain Significance.

NM_015978.3(TNNI3K):c.2347C>T (p.Gln783Ter)

Genes: FPGT-TNNI3K (FPGT-TNNI3K readthrough; plus strand), LRRC53 (leucine rich repeat containing 53; minus strand), TNNI3K (TNNI3 interacting kinase; plus strand). Cytogenetic location: 1p31.1.
Variant type: single nucleotide variant.
Coding change: c.2347C>T on transcript NM_015978.3 (MANE Select); coding-DNA position 2347, C replaced by T.
Protein change: p.Gln783Ter; replaces glutamine 783 with a stop codon.
Molecular consequence: nonsense. On other transcripts: intron variant (2).
Genome position (GRCh38, 1-based): chr1:74,492,262, C>T. VCF-style: chr1-74492262-C-T. GRCh37 (hg19) VCF-style: chr1-74957946-C-T.
Other names: c.2650C>T, p.Gln884Ter (NM_001112808.3); c.-8-11294G>A (NM_001364666.2); c.-26-8887G>A (NM_001382280.1); short protein forms Q884*, Q783*.
Identifiers: ClinVar variation 4730287 (VCV004730287.1).